The following is an entry in ClinVar:

ClinVar aggregate classification (germline): Pathogenic (1 of 4 stars; one submission).

Conditions:
Congenital adrenal hypoplasia, X-linked (AHC). Also called: Isolated X-Linked Adrenal Hypoplasia Congenita; ADRENAL HYPOPLASIA, CONGENITAL, WITH HYPOGONADOTROPIC HYPOGONADISM; X-linked AHC; X-Linked Adrenal Hypoplasia Congenita. Identifiers: Orphanet 95702, MedGen C0342482, MONDO:0010264, OMIM 300200. Disease mechanism: loss of function.
46,XY sex reversal 2. Also called: NR0B1-Related 46,XY CGD; NR0B1-related 46,XY complete gonadal dysgenesis; 46,XY SEX REVERSAL, DAX1-RELATED; 46XY sex reversal 2, dosage-sensitive; Dosage-sensitive sex reversal. Identifiers: MedGen C1848296, MONDO:0010226, OMIM 300018.

Submission:

Labcorp Genetics (formerly Invitae), Labcorp
Classification: Pathogenic for Congenital adrenal hypoplasia, X-linked; 46,XY sex reversal 2. Last evaluated: 2022-01-16. Review status: criteria provided, single submitter. Criteria: Invitae Variant Classification Sherloc (09022015). Collection method: clinical testing. Allele origin: germline.
Comment: For these reasons, this variant has been classified as Pathogenic. This variant is also known as E38X. This premature translational stop signal has been observed in individual(s) with congenital adrenal hypoplasia (PMID: 16684822). This variant is not present in population databases (gnomAD no frequency). This sequence change creates a premature translational stop signal (p.Glu98*) in the NR0B1 gene. It is expected to result in an absent or disrupted protein product. Loss-of-function variants in NR0B1 are known to be pathogenic (PMID: 7990958, 15841486).

Literature cited by the submitters: PubMed 16684822; PubMed 7990958; PubMed 15841486.

NM_000475.5(NR0B1):c.292G>T (p.Glu98Ter)

Gene: NR0B1 (nuclear receptor subfamily 0 group B member 1; minus strand). Cytogenetic location: Xp21.2.
Variant type: single nucleotide variant.
Coding change: c.292G>T on transcript NM_000475.5 (MANE Select); coding-DNA position 292, G replaced by T.
Protein change: p.Glu98Ter; replaces glutamic acid 98 with a stop codon.
Molecular consequence: nonsense.
Genome position (GRCh38, 1-based): chrX:30,309,072, C>A on the plus strand (G>T on the coding strand, the complement: NR0B1 is on the minus strand). VCF-style: chrX-30309072-C-A. GRCh37 (hg19) VCF-style: chrX-30327189-C-A.
Other names: short protein forms E98*.
Identifiers: ClinVar variation 2138500 (VCV002138500.4), dbSNP rs2519051933, ClinGen allele CA412549064.